The following is an entry in ClinVar:

NM_001042492.3(NF1):c.7919A>G (p.Tyr2640Cys)

Gene: NF1 (neurofibromin 1; plus strand). Cytogenetic location: 17q11.2.
Variant type: single nucleotide variant.
Coding change: c.7919A>G on transcript NM_001042492.3 (MANE Select); coding-DNA position 7919, A replaced by G.
Protein change: p.Tyr2640Cys; replaces tyrosine 2640 with cysteine.
Molecular consequence: missense variant.
Genome position (GRCh38, 1-based): chr17:31,357,318, A>G. VCF-style: chr17-31357318-A-G. GRCh37 (hg19) VCF-style: chr17-29684336-A-G.
Other names: c.7856A>G, p.Tyr2619Cys (NM_000267.4); short protein forms Y2640C, Y2619C.
Identifiers: ClinVar variation 659509 (VCV000659509.6), dbSNP rs1597866901, ClinGen allele CA399203457.
Genomic context (GRCh38, chr17:31,357,318, plus strand): 5'-CATCTTGGCAGGCTACACTGGTAAAATATACCACAGATGAGTTTGATCAACGAATTCTTT[A>G]TGAATACTTAGCAGAGGCCAGTGTTGTGTTTCCCAAAGTCTTTCCTGTTGTGTAAGTATC-3'
Protein context (NP_001035957.1, residues 2630-2650): TTDEFDQRIL[Tyr2640Cys]EYLAEASVVF

ClinVar aggregate classification (germline): Uncertain significance. Review status: criteria provided, multiple submitters, no conflicts (2 of 4 stars). 2 submissions from 2 submitters: Uncertain significance (2). Last evaluated 2025-09-10.

Conditions:
Cardiovascular phenotype. Identifiers: MedGen CN230736.
Hereditary cancer-predisposing syndrome. Also called: Neoplastic Syndromes, Hereditary; Hereditary neoplastic syndrome; Hereditary Cancer Syndrome; Tumor predisposition. Identifiers: Orphanet 140162, MedGen C0027672, MeSH D009386, MONDO:0015356.
Neurofibromatosis, type 1 (NF1). Also called: VON RECKLINGHAUSEN DISEASE; NEUROFIBROMATOSIS, TYPE I, SOMATIC; Peripheral type neurofibromatosis; Neurofibromatosis, type I. Identifiers: Orphanet 636, MedGen C0027831, MONDO:0018975, OMIM 162200. Disease mechanism: loss of function.

Allele frequency attached by ClinVar (database versions not stated): gnomAD exomes below 0.00001.
gnomAD v4.1: 1 of 1,614,076 alleles (0.000062%); highest among the groups gnomAD compares: Non-Finnish European, 0.000085%; no homozygotes.

Submissions (2):

Labcorp Genetics (formerly Invitae), Labcorp
Classification: Uncertain significance for Neurofibromatosis, type 1. Last evaluated: 2025-09-10. Review status: criteria provided, single submitter. Criteria: Invitae Variant Classification Sherloc (09022015). Collection method: clinical testing. Allele origin: germline.
Comment: This sequence change replaces tyrosine, which is neutral and polar, with cysteine, which is neutral and slightly polar, at codon 2619 of the NF1 protein (p.Tyr2619Cys). This variant is not present in population databases (gnomAD no frequency). This variant has not been reported in the literature in individuals affected with NF1-related conditions. ClinVar contains an entry for this variant (Variation ID: 659509). Invitae Evidence Modeling of protein sequence and biophysical properties (such as structural, functional, and spatial information, amino acid conservation, physicochemical variation, residue mobility, and thermodynamic stability) indicates that this missense variant is expected to disrupt NF1 protein function with a positive predictive value of 95%. In summary, the available evidence is currently insufficient to determine the role of this variant in disease. Therefore, it has been classified as a Variant of Uncertain Significance.

Ambry Genetics
Classification: Uncertain significance for Cardiovascular phenotype; Hereditary cancer-predisposing syndrome. Last evaluated: 2023-11-18. Review status: criteria provided, single submitter. Criteria: Ambry Variant Classification Scheme 2023. Collection method: clinical testing. Allele origin: germline.
Comment: The p.Y2619C variant (also known as c.7856A>G), located in coding exon 53 of the NF1 gene, results from an A to G substitution at nucleotide position 7856. The tyrosine at codon 2619 is replaced by cysteine, an amino acid with highly dissimilar properties. This amino acid position is conserved. In addition, this alteration is predicted to be deleterious by in silico analysis. Since supporting evidence is limited at this time, the clinical significance of this alteration remains unclear.